The following is an entry in ClinVar:

NM_000059.4(BRCA2):c.1370A>G (p.Lys457Arg)

Gene: BRCA2 (BRCA2 DNA repair associated; plus strand). Cytogenetic location: 13q13.1.
Variant type: single nucleotide variant.
Coding change: c.1370A>G on transcript NM_000059.4 (MANE Select); coding-DNA position 1370, A replaced by G.
Protein change: p.Lys457Arg; replaces lysine 457 with arginine.
Molecular consequence: missense variant.
Genome position (GRCh38, 1-based): chr13:32,332,848, A>G. VCF-style: chr13-32332848-A-G. GRCh37 (hg19) VCF-style: chr13-32906985-A-G.
Other names: short protein forms K457R.
Identifiers: ClinVar variation 373828 (VCV000373828.12), dbSNP rs771442299, ClinGen allele CA6940515.
Genomic context (GRCh38, chr13:32,332,848, plus strand): 5'-AAGATTTTCTTACTTCAGAGAATTCTTTGCCACGTATTTCTAGCCTACCAAAATCAGAGA[A>G]GCCATTAAATGAGGAAACAGTGGTAAATAAGAGAGATGAAGAGCAGCATCTTGAATCTCA-3'
Protein context (NP_000050.3, residues 447-467): PRISSLPKSE[Lys457Arg]PLNEETVVNK

ClinVar aggregate classification (germline): Conflicting classifications of pathogenicity. Review status: criteria provided, conflicting classifications (1 of 4 stars). 3 submissions from 3 submitters: Uncertain significance (2); Likely benign (1). Last evaluated 2023-03-23.

Conditions:
Hereditary cancer-predisposing syndrome. Also called: Tumor predisposition; Hereditary neoplastic syndrome; Neoplastic Syndromes, Hereditary; Hereditary Cancer Syndrome. Identifiers: Orphanet 140162, MedGen C0027672, MeSH D009386, MONDO:0015356.
Breast neoplasm. Also called: Neoplasm of breast; Breast tumor; Breast Neoplasms; Neoplasm of the breast. Identifiers: MedGen C1458155, MeSH D001943, MONDO:0021100, HP:0100013. Disease mechanism: gain of function.
Hereditary breast ovarian cancer syndrome. Also called: Hereditary breast and ovarian cancer syndrome (HBOC); Breast and ovarian cancer; Hereditary breast and ovarian cancer; Hereditary breast and ovarian cancer syndrome; BRCA1- and BRCA2-Associated Hereditary Breast and Ovarian Cancer; Hereditary breast and/or ovarian cancer syndrome. Identifiers: Orphanet 145, MedGen C0677776, MeSH D061325, MONDO:0003582. Disease mechanism: loss of function.

Allele frequency attached by ClinVar (database versions not stated): gnomAD exomes below 0.00001; ExAC 0.00001.
gnomAD v4.1: 1 of 1,611,900 alleles (0.000062%); highest among the groups gnomAD compares: South Asian, 0.0011%; no homozygotes.

Submissions (3):

University of Washington Department of Laboratory Medicine, University of Washington
Classification: Likely benign for Hereditary cancer-predisposing syndrome. Last evaluated: 2023-03-23. Review status: criteria provided, single submitter. Criteria: Dines et al. (Genet Med. 2020). Collection method: curation. Allele origin: germline.
Comment: Missense variant in a coldspot region where missense variants are very unlikely to be pathogenic (PMID:31911673).

BRCA2 exon 10 coldspot. Reclassification based on statistical prior probability.

Labcorp Genetics (formerly Invitae), Labcorp
Classification: Uncertain significance for Hereditary breast ovarian cancer syndrome. Last evaluated: 2019-04-22. Review status: criteria provided, single submitter. Criteria: Invitae Variant Classification Sherloc (09022015). Collection method: clinical testing. Allele origin: germline.
Comment: In summary, the available evidence is currently insufficient to determine the role of this variant in disease. Therefore, it has been classified as a Variant of Uncertain Significance. This sequence change replaces lysine with arginine at codon 457 of the BRCA2 protein (p.Lys457Arg). The lysine residue is weakly conserved and there is a small physicochemical difference between lysine and arginine. This variant is present in population databases (rs771442299, ExAC 0.006%). This variant has not been reported in the literature in individuals with BRCA2-related conditions. ClinVar contains an entry for this variant (Variation ID: 373828). Algorithms developed to predict the effect of missense changes on protein structure and function are either unavailable or do not agree on the potential impact of this missense change (SIFT: "Tolerated"; PolyPhen-2: "Possibly Damaging"; Align-GVGD: "Class C0").

Clinical and Functional Genomics Group, A.C.Camargo Cancer Center
Classification: Uncertain significance for Breast Cancer. Review status: criteria provided, single submitter. Criteria: Carraro et al. (PLoS One. 2013). Collection method: research. Allele origin: germline. Affected: yes.

Literature cited by the submitters: PubMed 24884479 (cited by Clinical and Functional Genomics Group, A.C.Camargo Cancer Center).